The following is an entry in ClinVar:

ClinVar aggregate classification (germline): Uncertain significance (1 of 4 stars; one submission).

Allele frequency attached by ClinVar (database versions not stated): gnomAD exomes below 0.00001; TOPMed 0.00002; gnomAD 0.00001.
gnomAD v4.1: 7 of 1,614,044 alleles (0.00043%); highest among the groups gnomAD compares: Non-Finnish European, 0.00059%; no homozygotes.

Submission:

Labcorp Genetics (formerly Invitae), Labcorp
Classification: Uncertain significance. Last evaluated: 2025-03-31. Review status: criteria provided, single submitter. Criteria: Invitae Variant Classification Sherloc (09022015). Collection method: clinical testing. Allele origin: germline.
Comment: This sequence change replaces methionine, which is neutral and non-polar, with threonine, which is neutral and polar, at codon 205 of the SULF1 protein (p.Met205Thr). This variant is present in population databases (no rsID available, gnomAD 0.002%). This variant has not been reported in the literature in individuals affected with SULF1-related conditions. ClinVar contains an entry for this variant (Variation ID: 2960968). An algorithm developed to predict the effect of missense changes on protein structure and function (PolyPhen-2) suggests that this variant is likely to be tolerated. In summary, the available evidence is currently insufficient to determine the role of this variant in disease. Therefore, it has been classified as a Variant of Uncertain Significance.

NM_001128205.2(SULF1):c.614T>C (p.Met205Thr)

Gene: SULF1 (sulfatase 1; plus strand). Cytogenetic location: 8q13.2.
Variant type: single nucleotide variant.
Coding change: c.614T>C on transcript NM_001128205.2 (MANE Select); coding-DNA position 614, T replaced by C.
Protein change: p.Met205Thr; replaces methionine 205 with threonine.
Molecular consequence: missense variant. On other transcripts: non-coding transcript variant (6), intron variant (3).
Genome position (GRCh38, 1-based): chr8:69,589,021, T>C. VCF-style: chr8-69589021-T-C. GRCh37 (hg19) VCF-style: chr8-70501256-T-C.
Other names: c.614T>C, p.Met205Thr (NM_001128204.2, NM_001128206.2, NM_001412828.1 and 19 more transcripts); c.428T>C, p.Met143Thr (NM_001412841.1, NM_001412842.1); c.39-25T>C (NM_001412845.1, NM_001412844.1); c.-1137-25T>C (NM_001412846.1); short protein forms M143T, M205T.
Identifiers: ClinVar variation 2960968 (VCV002960968.3), dbSNP rs1439234407, ClinGen allele CA371225545.